The following is an entry in ClinVar:

NM_003060.4(SLC22A5):c.1298T>C (p.Met433Thr)

Gene: SLC22A5 (solute carrier family 22 member 5; plus strand). Cytogenetic location: 5q31.1.
Variant type: single nucleotide variant.
Coding change: c.1298T>C on transcript NM_003060.4 (MANE Select); coding-DNA position 1298, T replaced by C.
Protein change: p.Met433Thr; replaces methionine 433 with threonine.
Molecular consequence: missense variant.
Genome position (GRCh38, 1-based): chr5:132,392,463, T>C. VCF-style: chr5-132392463-T-C. GRCh37 (hg19) VCF-style: chr5-131728155-T-C.
Other names: c.1370T>C, p.Met457Thr (NM_001308122.2); short protein forms M433T, M457T.
Identifiers: ClinVar variation 426720 (VCV000426720.14), dbSNP rs779385095, ClinGen allele CA3404128.

ClinVar aggregate classification (germline): Conflicting classifications of pathogenicity. Review status: criteria provided, conflicting classifications (1 of 4 stars). 4 submissions from 4 submitters: Pathogenic (1); Likely pathogenic (1); Uncertain significance (1). 1 of the submissions does not count toward it. Last evaluated 2025-08-18.

Conditions:
Renal carnitine transport defect (CDSP). Also called: Primary carnitine deficiency; CARNITINE DEFICIENCY, SYSTEMIC, DUE TO DEFECT IN RENAL REABSORPTION OF CARNITINE; CARNITINE TRANSPORTER, PLASMA-MEMBRANE, DEFICIENCY OF; CARNITINE UPTAKE DEFECT; Systemic primary carnitine deficiency; Systemic primary carnitine deficiency disease. Identifiers: Orphanet 158, MedGen C0342788, MONDO:0008919, OMIM 212140.

Allele frequency attached by ClinVar (database versions not stated): gnomAD exomes below 0.00001; ExAC 0.00001.
gnomAD v4.1: 1 of 1,614,246 alleles (0.000062%); highest among the groups gnomAD compares: Non-Finnish European, 0.000085%; no homozygotes.

Submissions (4):

Myriad Genetics, Inc.
Classification: Uncertain significance for Renal carnitine transport defect. Last evaluated: 2025-08-18. Review status: criteria provided, single submitter. Criteria: Myriad Autosomal Dominant, Autosomal Recessive and X-Linked Classification Criteria (2023). Collection method: clinical testing. Allele origin: unknown.
Comment: NM_003060.3(SLC22A5):c.1298T>C(M433T) is a missense variant classified as a variant of uncertain significance in the context of primary carnitine deficiency. M433T has been observed in cases with relevant disease (PMID: 31364285, 36321377). Relevant functional assessments of this variant are available in the literature (Koleske_2020_(Abstract)). M433T has been observed in referenced population frequency databases. In summary, there is insufficient evidence to classify NM_003060.3(SLC22A5):c.1298T>C(M433T) as pathogenic or benign. Please note: this variant was assessed in the context of healthy population screening.

Fulgent Genetics
Classification: Likely pathogenic for Renal carnitine transport defect. Last evaluated: 2024-01-08. Review status: criteria provided, single submitter. Criteria: ACMG Guidelines, 2015. Collection method: clinical testing. Allele origin: germline.

Labcorp Genetics (formerly Invitae), Labcorp
Classification: Pathogenic for Renal carnitine transport defect. Last evaluated: 2023-05-22. Review status: criteria provided, single submitter. Criteria: Invitae Variant Classification Sherloc (09022015). Collection method: clinical testing. Allele origin: germline.
Comment: This sequence change replaces methionine, which is neutral and non-polar, with threonine, which is neutral and polar, at codon 433 of the SLC22A5 protein (p.Met433Thr). For these reasons, this variant has been classified as Pathogenic. Advanced modeling of protein sequence and biophysical properties (such as structural, functional, and spatial information, amino acid conservation, physicochemical variation, residue mobility, and thermodynamic stability) performed at Invitae indicates that this missense variant is expected to disrupt SLC22A5 protein function. ClinVar contains an entry for this variant (Variation ID: 426720). This missense change has been observed in individual(s) with primary carnitine deficiency (PMID: 31364285). In at least one individual the data is consistent with being in trans (on the opposite chromosome) from a pathogenic variant. This variant is present in population databases (rs779385095, gnomAD 0.0009%).

GeneDx
Classification: Uncertain significance. Last evaluated: 2017-04-06. Review status: flagged submission. Criteria: GeneDx Variant Classification (06012015). Collection method: clinical testing. Allele origin: germline. Affected: yes. Not counted in ClinVar's aggregate classification.
Comment: The M433T variant has not been published as a pathogenic variant, nor has it been reported as abenign variant to our knowledge. The M433T variant is not observed at a significant frequency inlarge population cohorts (Lek et al., 2016; 1000 Genomes Consortium et al., 2015; Exome VariantServer). The M334T variant is a non-conservative amino acid substitution, which is likely to impactsecondary protein structure as these residues differ in polarity, charge, size and/or other properties.This substitution occurs at a position that is conserved across species. In silico analysis predicts thisvariant is probably damaging to the protein structure/function. In summary, based on the currentlyavailable information, it is unclear whether this variant is a pathogenic variant or a rare benignvariant.
ClinVar note: Reason: Older claim that does not account for recent evidence

Literature cited by the submitters: PubMed 31364285 (cited by Myriad Genetics, Inc. and Labcorp Genetics (formerly Invitae), Labcorp); PubMed 36321377 (cited by Myriad Genetics, Inc.).